The following is an entry in ClinVar:

ClinVar aggregate classification (germline): Uncertain significance (1 of 4 stars; one submission).

Conditions:
Lethal multiple pterygium syndrome (LMPS). Identifiers: Orphanet 33108, MedGen C1854678, MONDO:0009668, OMIM 253290.

Submission:

Labcorp Genetics (formerly Invitae), Labcorp
Classification: Uncertain significance for Lethal multiple pterygium syndrome. Last evaluated: 2022-06-20. Review status: criteria provided, single submitter. Criteria: Invitae Variant Classification Sherloc (09022015). Collection method: clinical testing. Allele origin: germline.
Comment: In summary, the available evidence is currently insufficient to determine the role of this variant in disease. Therefore, it has been classified as a Variant of Uncertain Significance. Variants that disrupt the consensus splice site are a relatively common cause of aberrant splicing (PMID: 17576681, 9536098). Algorithms developed to predict the effect of sequence changes on RNA splicing suggest that this variant may disrupt the consensus splice site. ClinVar contains an entry for this variant (Variation ID: 1007512). This variant has not been reported in the literature in individuals affected with CHRND-related conditions. This variant is not present in population databases (gnomAD no frequency). This sequence change falls in intron 6 of the CHRND gene. It does not directly change the encoded amino acid sequence of the CHRND protein. It affects a nucleotide within the consensus splice site.

Literature cited by the submitters: PubMed 17576681; PubMed 9536098.

NM_000751.3(CHRND):c.620-3C>G

Gene: CHRND (cholinergic receptor nicotinic delta subunit; plus strand). Cytogenetic location: 2q37.1.
Variant type: single nucleotide variant.
Coding change: c.620-3C>G on transcript NM_000751.3 (MANE Select); 3 bases into the intron before coding-DNA position 620, C replaced by G.
Molecular consequence: intron variant.
Genome position (GRCh38, 1-based): chr2:232,529,936, C>G. VCF-style: chr2-232529936-C-G. GRCh37 (hg19) VCF-style: chr2-233394646-C-G.
Other names: c.238+1280C>G (NM_001311195.2); c.317-3C>G (NM_001311196.2); c.575-3C>G (NM_001256657.2).
Identifiers: ClinVar variation 1007512 (VCV001007512.8), dbSNP rs1691619642, ClinGen allele CA1335311178.
Genomic context (GRCh38, chr2:232,529,936, plus strand): 5'-CCCAGGCCCTGCCTAGCCCCCTTGGCCTGGCCTGACCCTAAGATGTCCATGTGCCGCCCT[C>G]AGAGAACGGGGAGTGGGAGATAGTCCACCGGCCGGCCAGGGTCAACGTGGACCCCAGAGC-3'